The following is an entry in ClinVar:

ClinVar aggregate classification (germline): Uncertain significance (1 of 4 stars; one submission).

Conditions:
Episodic kinesigenic dyskinesia (EKD). Also called: Paroxysmal kinesigenic dyskinesia. Identifiers: Orphanet 98809, MedGen C1868682, MONDO:0044202.

Allele frequency attached by ClinVar (database versions not stated): ExAC 0.00001; gnomAD exomes below 0.00001.
gnomAD v4.1: 5 of 1,600,758 alleles (0.00031%); highest among the groups gnomAD compares: Non-Finnish European, 0.00043%; no homozygotes.

Submission:

Labcorp Genetics (formerly Invitae), Labcorp
Classification: Uncertain significance for Episodic kinesigenic dyskinesia. Last evaluated: 2025-02-12. Review status: criteria provided, single submitter. Criteria: Invitae Variant Classification Sherloc (09022015). Collection method: clinical testing. Allele origin: germline.
Comment: This sequence change replaces serine, which is neutral and polar, with arginine, which is basic and polar, at codon 4 of the PRRT2 protein (p.Ser4Arg). This variant is present in population databases (rs757148846, gnomAD 0.0009%). This variant has not been reported in the literature in individuals affected with PRRT2-related conditions. ClinVar contains an entry for this variant (Variation ID: 1381913). Invitae Evidence Modeling of protein sequence and biophysical properties (such as structural, functional, and spatial information, amino acid conservation, physicochemical variation, residue mobility, and thermodynamic stability) indicates that this missense variant is not expected to disrupt PRRT2 protein function with a negative predictive value of 95%. In summary, the available evidence is currently insufficient to determine the role of this variant in disease. Therefore, it has been classified as a Variant of Uncertain Significance.

NM_145239.3(PRRT2):c.12C>A (p.Ser4Arg)

Genes: MVP-DT (MVP divergent transcript; minus strand), PRRT2 (proline rich transmembrane protein 2; plus strand). Cytogenetic location: 16p11.2.
Variant type: single nucleotide variant.
Coding change: c.12C>A on transcript NM_145239.3 (MANE Select); coding-DNA position 12, C replaced by A.
Protein change: p.Ser4Arg; replaces serine 4 with arginine.
Molecular consequence: missense variant.
Genome position (GRCh38, 1-based): chr16:29,813,066, C>A. VCF-style: chr16-29813066-C-A. GRCh37 (hg19) VCF-style: chr16-29824387-C-A.
Other names: c.12C>A, p.Ser4Arg (NM_001256442.2, NM_001256443.2); short protein forms S4R.
Identifiers: ClinVar variation 1381913 (VCV001381913.6), dbSNP rs757148846, ClinGen allele CA7994460.